The following is an entry in ClinVar:

NM_005159.5(ACTC1):c.622C>A (p.Arg208Ser)

Genes: ACTC1 (actin alpha cardiac muscle 1; minus strand), GJD2-DT (GJD2 divergent transcript; plus strand). Cytogenetic location: 15q14.
Variant type: single nucleotide variant.
Coding change: c.622C>A on transcript NM_005159.5 (MANE Select); coding-DNA position 622, C replaced by A.
Protein change: p.Arg208Ser; replaces arginine 208 with serine.
Molecular consequence: missense variant.
Genome position (GRCh38, 1-based): chr15:34,792,276, G>T on the plus strand (C>A on the coding strand, the complement: ACTC1 is on the minus strand). VCF-style: chr15-34792276-G-T. GRCh37 (hg19) VCF-style: chr15-35084477-G-T.
Other names: c.622C>A, p.Arg208Ser (NM_001406482.1, NM_001406483.1); c.487C>A, p.Arg163Ser (NM_001406484.1); c.181C>A, p.Arg61Ser (NM_001406485.1); short protein forms R163S, R208S, R61S.
Identifiers: ClinVar variation 2574201 (VCV002574201.4), dbSNP rs727505179, ClinGen allele CA391630822.

ClinVar aggregate classification (germline): Uncertain significance. Review status: criteria provided, multiple submitters, no conflicts (2 of 4 stars). 3 submissions from 3 submitters: Uncertain significance (3). Last evaluated 2024-12-15.

Conditions:
Dilated cardiomyopathy 1R (CMD1R). Identifiers: Orphanet 154, Orphanet 54260, MedGen C3150681, MONDO:0013261, OMIM 613424.
Atrial septal defect 5 (ASD5). Identifiers: Orphanet 1478, MedGen C2748552, MONDO:0013011, OMIM 612794.
Hypertrophic cardiomyopathy 11. Also called: ACTC1-Related Familial Hypertrophic Cardiomyopathy. Identifiers: MedGen C2677506, MONDO:0012799, OMIM 612098.

Submissions (3):

Labcorp Genetics (formerly Invitae), Labcorp
Classification: Uncertain significance for Dilated cardiomyopathy 1R; Hypertrophic cardiomyopathy 11; Atrial septal defect 5. Last evaluated: 2024-12-15. Review status: criteria provided, single submitter. Criteria: Invitae Variant Classification Sherloc (09022015). Collection method: clinical testing. Allele origin: germline.
Comment: This sequence change replaces arginine, which is basic and polar, with serine, which is neutral and polar, at codon 208 of the ACTC1 protein (p.Arg208Ser). This variant is not present in population databases (gnomAD no frequency). This variant has not been reported in the literature in individuals affected with ACTC1-related conditions. ClinVar contains an entry for this variant (Variation ID: 2574201). Invitae Evidence Modeling of protein sequence and biophysical properties (such as structural, functional, and spatial information, amino acid conservation, physicochemical variation, residue mobility, and thermodynamic stability) indicates that this missense variant is not expected to disrupt ACTC1 protein function with a negative predictive value of 80%. In summary, the available evidence is currently insufficient to determine the role of this variant in disease. Therefore, it has been classified as a Variant of Uncertain Significance.

GeneDx
Classification: Uncertain significance. Last evaluated: 2023-01-31. Review status: criteria provided, single submitter. Criteria: GeneDx Variant Classification Process June 2021. Collection method: clinical testing. Allele origin: germline. Affected: yes.
Comment: Has not been previously published as pathogenic or benign to our knowledge; Not observed at significant frequency in large population cohorts (gnomAD); In silico analysis supports that this missense variant has a deleterious effect on protein structure/function

Blueprint Genetics
Classification: Uncertain significance. Last evaluated: 2022-05-02. Review status: criteria provided, single submitter. Criteria: ACMG Guidelines, 2015. Collection method: clinical testing. Allele origin: germline.